The following is an entry in ClinVar:

ClinVar aggregate classification (germline): Uncertain significance. Review status: criteria provided, multiple submitters, no conflicts (2 of 4 stars). 2 submissions from 2 submitters: Uncertain significance (2). Last evaluated 2024-11-06.

Submissions (2):

GeneDx
Classification: Uncertain significance. Last evaluated: 2024-11-06. Review status: criteria provided, single submitter. Criteria: GeneDx Variant Classification Process June 2021. Collection method: clinical testing. Allele origin: germline. Affected: yes.
Comment: Frameshift variant predicted to result in protein truncation or nonsense mediated decay in a gene for which loss-of-function is not an established mechanism of disease; Has not been previously published as pathogenic or benign to our knowledge

Labcorp Genetics (formerly Invitae), Labcorp
Classification: Uncertain significance. Last evaluated: 2022-10-18. Review status: criteria provided, single submitter. Criteria: Invitae Variant Classification Sherloc (09022015). Collection method: clinical testing. Allele origin: germline.
Comment: This variant is present in population databases (rs769937419, gnomAD 0.02%). This sequence change creates a premature translational stop signal (Splice site) in the MATN3 gene. It is expected to result in an absent or disrupted protein product. However, the current clinical and genetic evidence is not sufficient to establish whether loss-of-function variants in MATN3 cause disease. This variant has not been reported in the literature in individuals affected with MATN3-related conditions. Algorithms developed to predict the effect of sequence changes on RNA splicing suggest that this variant may disrupt the consensus splice site. In summary, the available evidence is currently insufficient to determine the role of this variant in disease. Therefore, it has been classified as a Variant of Uncertain Significance.

NM_002381.5(MATN3):c.789_790dup (p.Ala264fs)

Gene: MATN3 (matrilin 3; minus strand). Cytogenetic location: 2p24.1.
Variant type: Microsatellite.
Coding change: c.789_790dup on transcript NM_002381.5 (MANE Select); coding-DNA positions 789 to 790, 2 bases duplicated (TG; older notation c.789_790dupTG).
Protein change: p.Ala264fs; shifts the reading frame from alanine 264.
Molecular consequence: frameshift variant.
Genome position (GRCh38, 1-based): chr2:20,005,744-20,005,745, CA duplicated on the plus strand (TG on the coding strand, the reverse complement: MATN3 is on the minus strand); duplicating any 2 consecutive bases within chr2:20,005,744-20,005,747 gives the same sequence; the c. name uses the placement nearest the transcript's 3' end. VCF-style (leftmost placement, unchanged base first): chr2-20005743-C-CCA. GRCh37 (hg19) VCF-style: chr2-20205504-C-CCA.
Other names: c.789_790dup (NM_002381.4); short protein forms A264fs.
Identifiers: ClinVar variation 1980948 (VCV001980948.5), dbSNP rs769937419, ClinGen allele CA1543905.